The following is an entry in ClinVar:

NM_139076.3(ABRAXAS1):c.1111A>G (p.Lys371Glu)

Gene: ABRAXAS1 (abraxas 1, BRCA1 A complex subunit; minus strand). Cytogenetic location: 4q21.23.
Variant type: single nucleotide variant.
Coding change: c.1111A>G on transcript NM_139076.3 (MANE Select); coding-DNA position 1111, A replaced by G.
Protein change: p.Lys371Glu; replaces lysine 371 with glutamic acid.
Molecular consequence: missense variant.
Genome position (GRCh38, 1-based): chr4:83,462,588, T>C on the plus strand (A>G on the coding strand, the complement: ABRAXAS1 is on the minus strand). VCF-style: chr4-83462588-T-C. GRCh37 (hg19) VCF-style: chr4-84383741-T-C.
Other names: c.784A>G, p.Lys262Glu (NM_001345962.2); short protein forms K262E, K371E.
Identifiers: ClinVar variation 4636459 (VCV004636459.1).

ClinVar aggregate classification (germline): Uncertain significance (1 of 4 stars; one submission).

Submission:

Ambry Genetics
Classification: Uncertain significance. Last evaluated: 2025-11-02. Review status: criteria provided, single submitter. Criteria: Ambry Variant Classification Scheme 2023. Collection method: clinical testing. Allele origin: germline.
Comment: The p.K371E variant (also known as c.1111A>G), located in coding exon 9 of the FAM175A gene, results from an A to G substitution at nucleotide position 1111. The lysine at codon 371 is replaced by glutamic acid, an amino acid with similar properties. This amino acid position is conserved. In addition, this alteration is predicted to be tolerated by in silico analysis. Based on the available evidence, the clinical significance of this variant remains unclear.